The following is an entry in ClinVar:

NM_001849.4(COL6A2):c.339C>A (p.Ser113Arg)

Gene: COL6A2 (collagen type VI alpha 2 chain; plus strand). Cytogenetic location: 21q22.3.
Variant type: single nucleotide variant.
Coding change: c.339C>A on transcript NM_001849.4 (MANE Select); coding-DNA position 339, C replaced by A.
Protein change: p.Ser113Arg; replaces serine 113 with arginine.
Molecular consequence: missense variant.
Genome position (GRCh38, 1-based): chr21:46,112,202, C>A. VCF-style: chr21-46112202-C-A. GRCh37 (hg19) VCF-style: chr21-47532116-C-A.
Other names: c.339C>A, p.Ser113Arg (NM_058174.3, NM_058175.3); short protein forms S113R.
Identifiers: ClinVar variation 1403661 (VCV001403661.8), dbSNP rs1365013453, ClinGen allele CA410520930.

ClinVar aggregate classification (germline): Uncertain significance (1 of 4 stars; one submission).

Conditions:
Bethlem myopathy 1A. Also called: Bethlem myopathy 1; Bethlem Muscular Dystrophy; MYOPATHY, BENIGN CONGENITAL, WITH CONTRACTURES. Identifiers: Orphanet 610, MedGen CN029274, MONDO:0024530, OMIM 158810.

gnomAD v4.1: 10 of 1,612,944 alleles (0.00062%); highest among the groups gnomAD compares: Non-Finnish European, 0.00076%; no homozygotes.

Submission:

Labcorp Genetics (formerly Invitae), Labcorp
Classification: Uncertain significance for Bethlem myopathy 1A. Last evaluated: 2022-12-22. Review status: criteria provided, single submitter. Criteria: Invitae Variant Classification Sherloc (09022015). Collection method: clinical testing. Allele origin: germline.
Comment: In summary, the available evidence is currently insufficient to determine the role of this variant in disease. Therefore, it has been classified as a Variant of Uncertain Significance. Advanced modeling of protein sequence and biophysical properties (such as structural, functional, and spatial information, amino acid conservation, physicochemical variation, residue mobility, and thermodynamic stability) performed at Invitae indicates that this missense variant is not expected to disrupt COL6A2 protein function. ClinVar contains an entry for this variant (Variation ID: 1403661). This variant has not been reported in the literature in individuals affected with COL6A2-related conditions. This variant is not present in population databases (gnomAD no frequency). This sequence change replaces serine, which is neutral and polar, with arginine, which is basic and polar, at codon 113 of the COL6A2 protein (p.Ser113Arg).